The following is an entry in ClinVar:

ClinVar aggregate classification (germline): Uncertain significance (1 of 4 stars; one submission).

Conditions:
Inborn genetic diseases. Identifiers: MedGen C0950123, MeSH D030342.

Allele frequency attached by ClinVar (database versions not stated): gnomAD 0.00001; TOPMed 0.00001.
gnomAD v4.1: 1 of 1,613,886 alleles (0.000062%); highest among the groups gnomAD compares: African/African-American, 0.0013%; no homozygotes.

Submission:

Ambry Genetics
Classification: Uncertain significance for Inborn genetic diseases. Last evaluated: 2024-11-14. Review status: criteria provided, single submitter. Criteria: Ambry Variant Classification Scheme 2023. Collection method: clinical testing. Allele origin: germline.
Comment: The p.Q923K variant (also known as c.2767C>A), located in coding exon 13 of the ATR gene, results from a C to A substitution at nucleotide position 2767. The glutamine at codon 923 is replaced by lysine, an amino acid with similar properties. This amino acid position is conserved. In addition, the in silico prediction for this alteration is inconclusive. Since supporting evidence is limited at this time, the clinical significance of this alteration remains unclear.

NM_001184.4(ATR):c.2767C>A (p.Gln923Lys)

Gene: ATR (ATR checkpoint kinase; minus strand). Cytogenetic location: 3q23.
Variant type: single nucleotide variant.
Coding change: c.2767C>A on transcript NM_001184.4 (MANE Select); coding-DNA position 2767, C replaced by A.
Protein change: p.Gln923Lys; replaces glutamine 923 with lysine.
Molecular consequence: missense variant.
Genome position (GRCh38, 1-based): chr3:142,553,265, G>T on the plus strand (C>A on the coding strand, the complement: ATR is on the minus strand). VCF-style: chr3-142553265-G-T. GRCh37 (hg19) VCF-style: chr3-142272107-G-T.
Other names: c.2575C>A, p.Gln859Lys (NM_001354579.2); short protein forms Q859K, Q923K.
Identifiers: ClinVar variation 1795749 (VCV001795749.3), dbSNP rs1203058753, ClinGen allele CA354814380.
Genomic context (GRCh38, chr3:142,553,265, plus strand): 5'-CCAGACAAACGCTGACTCTTACCTGACAGATGGGTTTCTTATACTGGCTGAAAAAACTTT[G>T]CAGTTTAACACTTTTAGCTGCAACCAGAGCTCTAATTTCTGTGTATGCTGCTCCAGAGAC-3'
Protein context (NP_001175.2, residues 913-933): ALVAAKSVKL[Gln923Lys]SFFSQYKKPI